The following is an entry in ClinVar:

ClinVar aggregate classification (germline): Pathogenic/Likely pathogenic. Review status: criteria provided, multiple submitters, no conflicts (2 of 4 stars). 13 submissions from 13 submitters: Pathogenic (11); Likely pathogenic (2). Last evaluated 2026-01-12.

Conditions:
Galactosemia. Also called: Galactose intolerance. Identifiers: Orphanet 352, MedGen C0016952, MONDO:0018116, HP:0004919. Disease mechanism: loss of function.
Deficiency of UDPglucose-hexose-1-phosphate uridylyltransferase. Also called: GALACTOSE-1-PHOSPHATE URIDYLYLTRANSFERASE DEFICIENCY; GALT deficiency; Galactosemia, classic; Transferase Deficiency Galactosemia; GALACTOSEMIA I. Identifiers: Orphanet 352, Orphanet 79239, MedGen C0268151, MONDO:0009258, OMIM 230400.

Allele frequency attached by ClinVar (database versions not stated): TOPMed 0.00004; gnomAD 0.00003.

Submissions (13):

Natera, Inc.
Classification: Pathogenic for Galactosemia. Last evaluated: 2026-01-12. Review status: criteria provided, single submitter. Criteria: Natera Variant Classification Schema (03/2026). Collection method: clinical testing. Allele origin: germline.
Comment: The c.292G>A variant in GALT is a missense variant predicted to cause substitution of aspartic acid to asparagine at amino acid 98. This variant is rare in the general population with a frequency below the threshold expected for the associated phenotype(s). This variant has been observed in one or more individuals affected with the associated recessive disease, as either homozygous or compound heterozygous with a second variant (PMID: 29350350, 28644047). Additionally, this variant has been observed to segregate in affected family members (PMID: 29350350). Computational prediction algorithms indicate this variant is likely to affect gene or protein function. Given the available evidence, this variant is classified as Pathogenic.

Labcorp Genetics (formerly Invitae), Labcorp
Classification: Pathogenic for Deficiency of UDPglucose-hexose-1-phosphate uridylyltransferase. Last evaluated: 2025-11-21. Review status: criteria provided, single submitter. Criteria: Invitae Variant Classification Sherloc (09022015). Collection method: clinical testing. Allele origin: germline.
Comment: This sequence change replaces aspartic acid, which is acidic and polar, with asparagine, which is neutral and polar, at codon 98 of the GALT protein (p.Asp98Asn). This variant is present in population databases (rs111033670, gnomAD 0.006%). This missense change has been observed in individual(s) with galactosemia (PMID: 10408771, 12595586, 17876724, 22743281). ClinVar contains an entry for this variant (Variation ID: 25148). Invitae Evidence Modeling of protein sequence and biophysical properties (such as structural, functional, and spatial information, amino acid conservation, physicochemical variation, residue mobility, and thermodynamic stability) indicates that this missense variant is expected to disrupt GALT protein function with a positive predictive value of 80%. For these reasons, this variant has been classified as Pathogenic.

Victorian Clinical Genetics Services, Murdoch Childrens Research Institute
Classification: Pathogenic for Deficiency of UDPglucose-hexose-1-phosphate uridylyltransferase. Last evaluated: 2025-10-23. Review status: criteria provided, single submitter. Criteria: ACMG Guidelines, 2015. Collection method: clinical testing. Allele origin: germline.
Comment: This variant is classified as Pathogenic. Evidence in support of pathogenic classification: Variant is present in gnomAD <0.01 for a recessive condition (v4: 113 heterozygote(s), 0 homozygote(s)); This variant has strong previous evidence of pathogenicity in unrelated individuals. This variant has been classified as pathogenic and likely pathogenic by multiple clinical laboratories (ClinVar). Additional information: Variant is predicted to result in a missense amino acid change from Asp to Asn; This variant is heterozygous; This gene is associated with autosomal recessive disease; No published functional evidence has been identified for this variant; Loss of function is a known mechanism of disease in this gene and is associated with galactosemia (MIM#230400).

Mayo Clinic Laboratories, Mayo Clinic
Classification: Pathogenic. Last evaluated: 2025-10-09. Review status: criteria provided, single submitter. Criteria: ACMG Guidelines, 2015. Collection method: clinical testing. Allele origin: germline. Observed: 2 variant alleles.
Comment: PP3_strong, PP4, PM2_supporting, PM3_strong

ARUP Laboratories, Molecular Genetics and Genomics, ARUP Laboratories
Classification: Pathogenic for Deficiency of UDPglucose-hexose-1-phosphate uridylyltransferase. Last evaluated: 2025-07-28. Review status: criteria provided, single submitter. Criteria: ARUP Molecular Germline Variant Investigation Process 2024. Collection method: clinical testing. Allele origin: germline.
Comment: The GALT c.292G>A; p.Asp98Asn variant (rs111033670), is reported in the compound heterozygous state in the literature in individuals affected with galactosemia (Calderon 2007, Tyfield 1999). This variant is reported in ClinVar (Variation ID: 25148), and found in the general population with an overall allele frequency of 0.003% (10/282870 alleles) in the Genome Aggregation Database. The aspartate at codon 98 is highly conserved, and computational analyses predict that this variant is deleterious (REVEL: 0.954). Based on available information, this variant is considered to be pathogenic. References: Calderon FR et al. Combination of enzyme analysis, allele-specific PCR and sequencing to detect mutations in the GALT gene. J Inherit Metab Dis. 2007 Oct;30(5):818. PMID: 17876724. Tyfield L et al. Classical galactosemia and mutations at the galactose-1-phosphate uridyl transferase (GALT) gene. Hum Mutat. 1999;13(6):417-30. PMID: 10408771

Baylor Genetics
Classification: Pathogenic for Deficiency of UDPglucose-hexose-1-phosphate uridylyltransferase. Last evaluated: 2024-03-20. Review status: criteria provided, single submitter. Criteria: ACMG Guidelines, 2015. Collection method: clinical testing. Allele origin: unknown.

GeneDx
Classification: Pathogenic. Last evaluated: 2024-01-04. Review status: criteria provided, single submitter. Criteria: GeneDx Variant Classification Process June 2021. Collection method: clinical testing. Allele origin: germline. Affected: yes.
Comment: Not observed at significant frequency in large population cohorts (gnomAD); In silico analysis supports that this missense variant has a deleterious effect on protein structure/function; This variant is associated with the following publications: (PMID: 28644047, 10408771, 17876724, 22743281, 20008339, 27363831, 31358168, 30718057, 34302356, 12595586)

Revvity Omics, Revvity
Classification: Pathogenic for Deficiency of UDPglucose-hexose-1-phosphate uridylyltransferase. Last evaluated: 2023-09-19. Review status: criteria provided, single submitter. Criteria: ACMG Guidelines, 2015. Collection method: clinical testing. Allele origin: germline.

Myriad Genetics, Inc.
Classification: Likely pathogenic for Deficiency of UDPglucose-hexose-1-phosphate uridylyltransferase. Last evaluated: 2021-10-22. Review status: criteria provided, single submitter. Criteria: Myriad Women's Health Autosomal Recessive and X-Linked Classification Criteria (2021). Collection method: clinical testing. Allele origin: unknown.
Comment: NM_000155.3(GALT):c.292G>A(D98N) is a missense variant classified as likely pathogenic in the context of galactosemia. D98N has been observed in cases with relevant disease (PMID: 31358168, 28644047, 17876724, 27363831, 30718057, 12595586). Functional assessments of this variant are not available in the literature. D98N has been observed in population frequency databases (gnomAD: NFE 0.01%). In summary, NM_000155.3(GALT):c.292G>A(D98N) is a missense variant that has been observed more frequently in cases with the relevant disease than in healthy populations. Please note: this variant was assessed in the context of healthy population screening.

Fulgent Genetics
Classification: Likely pathogenic for Deficiency of UDPglucose-hexose-1-phosphate uridylyltransferase. Last evaluated: 2021-07-01. Review status: criteria provided, single submitter. Criteria: ACMG Guidelines, 2015. Collection method: clinical testing. Allele origin: unknown.

Eurofins Ntd Llc (ga)
Classification: Pathogenic. Last evaluated: 2018-07-23. Review status: criteria provided, single submitter. Criteria: EGL ClinVar v180209 classification definitions. Collection method: clinical testing. Allele origin: germline. Observed: 15 variant alleles, 15 heterozygotes.

Women's Health and Genetics/Laboratory Corporation of America, LabCorp
Classification: Pathogenic for Deficiency of UDPglucose-hexose-1-phosphate uridylyltransferase. Last evaluated: 2017-11-16. Review status: criteria provided, single submitter. Criteria: LabCorp Variant Classification Summary - May 2015. Collection method: clinical testing. Allele origin: germline.
Comment: Variant summary: The GALT c.292G>A (p.Asp98Asn) variant involves the alteration of a conserved nucleotide, is located in UDP-alpha-D-glucose binding region and is involved in interaction with substrate (UniProt, Facchiano_2010). 3/4 in silico tools predict a damaging outcome for this variant (SNPsandGO not captured due to low reliability index). This variant was found in 8/277204 control chromosomes (gnomAD) at a frequency of 0.0000289, which does not exceed the estimated maximal expected allele frequency of a pathogenic GALT variant (0.0028868). This variant has been reported in multiple patients with galactosemia in homozygous as well as in compound heterozygous state with other pathogenic variants (Tyfield, Webb_2003, Schulpis_2017, ARUP). Enzymatic analysis of the homozygote showed no activity, strongly suggesting that this variant is defective. Another missense change at the same codon (p.Asp98His) has been classified as pathogenic by our lab, suggesting functional importance of this codon. In addition, multiple clinical diagnostic laboratories/reputable databases have classified this variant as pathogenic. Taken together, this variant is classified as pathogenic.

Kasturba Medical College, Manipal, Kasturba Medical College, Manipal, Manipal Academy of Higher Education, Manipal, India
Classification: Pathogenic for Deficiency of UDPglucose-hexose-1-phosphate uridylyltransferase. Review status: criteria provided, single submitter. Criteria: ACMG Guidelines, 2015. Collection method: research. Allele origin: inherited. Affected: yes.

Literature cited by the submitters: PubMed 29350350 (cited by Natera, Inc.); PubMed 28644047 (cited by 4 submitters); PubMed 10408771 (cited by 4 submitters); PubMed 12595586 (cited by 4 submitters); PubMed 17876724 (cited by 3 submitters); PubMed 22743281 (cited by Labcorp Genetics (formerly Invitae), Labcorp and Mayo Clinic Laboratories, Mayo Clinic); PubMed 20008339 (cited by Mayo Clinic Laboratories, Mayo Clinic and Women's Health and Genetics/Laboratory Corporation of America, LabCorp); PubMed 27005423 (cited by Mayo Clinic Laboratories, Mayo Clinic and Women's Health and Genetics/Laboratory Corporation of America, LabCorp); PubMed 30718057 (cited by Mayo Clinic Laboratories, Mayo Clinic and Myriad Genetics, Inc.); PubMed 31358168 (cited by Mayo Clinic Laboratories, Mayo Clinic and Myriad Genetics, Inc.); PubMed 34302356 (cited by Mayo Clinic Laboratories, Mayo Clinic); PubMed 27363831 (cited by Myriad Genetics, Inc.).

NM_000155.4(GALT):c.292G>A (p.Asp98Asn)

Gene: GALT (galactose-1-phosphate uridylyltransferase; plus strand). Cytogenetic location: 9p13.3.
Variant type: single nucleotide variant.
Coding change: c.292G>A on transcript NM_000155.4 (MANE Select); coding-DNA position 292, G replaced by A.
Protein change: p.Asp98Asn; replaces aspartic acid 98 with asparagine.
Molecular consequence: missense variant. On other transcripts: intron variant (1).
Genome position (GRCh38, 1-based): chr9:34,647,531, G>A. VCF-style: chr9-34647531-G-A. GRCh37 (hg19) VCF-style: chr9-34647528-G-A.
Other names: c.50+273G>A (NM_001258332.2).
Identifiers: ClinVar variation 25148 (VCV000025148.35), dbSNP rs111033670, ClinGen allele CA259357.
Genomic context (GRCh38, chr9:34,647,531, plus strand): 5'-CTAGCCTATCCTTGTCGGTAGGTGAATCCCCAGTACGATAGCACCTTCCTGTTTGACAAC[G>A]ACTTCCCAGCTCTGCAGCCTGATGCCCCCAGTCCAGGTAACCTGGCTCCAACTGCTGCTG-3'
Protein context (NP_000146.2, residues 88-108): QYDSTFLFDN[Asp98Asn]FPALQPDAPS